The following is an entry in ClinVar:

ClinVar aggregate classification (germline): Likely benign (1 of 4 stars; one submission).

Allele frequency attached by ClinVar (database versions not stated): gnomAD 0.00001; TOPMed 0.00003.
gnomAD v4.1: 30 of 1,447,388 alleles (0.0021%); highest among the groups gnomAD compares: Middle Eastern, 0.04%; no homozygotes.

Submission:

CeGaT Center for Human Genetics Tuebingen
Classification: Likely benign. Last evaluated: 2026-05-01. Review status: criteria provided, single submitter. Criteria: CeGaT Center For Human Genetics Tuebingen Variant Classification Criteria Version 2. Collection method: clinical testing. Allele origin: germline. Affected: yes. Observed: 2 variant alleles.
Comment: RERE: BP4, BP7

NM_001042681.2(RERE):c.2541C>T (p.His847=)

Gene: RERE (arginine-glutamic acid dipeptide repeats; minus strand). Cytogenetic location: 1p36.23.
Variant type: single nucleotide variant.
Coding change: c.2541C>T on transcript NM_001042681.2 (MANE Select); coding-DNA position 2541, C replaced by T.
Protein change: p.His847=; no amino-acid change (histidine 847 retained).
Molecular consequence: synonymous variant.
Genome position (GRCh38, 1-based): chr1:8,360,966, G>A on the plus strand (C>T on the coding strand, the complement: RERE is on the minus strand). VCF-style: chr1-8360966-G-A. GRCh37 (hg19) VCF-style: chr1-8421026-G-A.
Other names: c.879C>T, p.His293= (NM_001042682.2); c.2541C>T, p.His847= (NM_012102.4).
Identifiers: ClinVar variation 2638168 (VCV002638168.24), dbSNP rs543718005, ClinGen allele CA17695859.